The following is an entry in ClinVar:

ClinVar aggregate classification (germline): Uncertain significance (1 of 4 stars; one submission).

Submission:

Ambry Genetics
Classification: Uncertain significance. Last evaluated: 2022-01-28. Review status: criteria provided, single submitter. Criteria: Ambry Variant Classification Scheme 2023. Collection method: clinical testing. Allele origin: germline.
Comment: The p.K1791N variant (also known as c.5373G>T), located in coding exon 5 of the ALPK2 gene, results from a G to T substitution at nucleotide position 5373. The lysine at codon 1791 is replaced by asparagine, an amino acid with similar properties. This amino acid position is conserved. In addition, this alteration is predicted to be tolerated by in silico analysis. Since supporting evidence is limited at this time, the clinical significance of this alteration remains unclear.

NM_052947.4(ALPK2):c.5373G>T (p.Lys1791Asn)

Gene: ALPK2 (alpha kinase 2; minus strand). Cytogenetic location: 18q21.31.
Variant type: single nucleotide variant.
Coding change: c.5373G>T on transcript NM_052947.4 (MANE Select); coding-DNA position 5373, G replaced by T.
Protein change: p.Lys1791Asn; replaces lysine 1791 with asparagine.
Molecular consequence: missense variant.
Genome position (GRCh38, 1-based): chr18:58,529,219, C>A on the plus strand (G>T on the coding strand, the complement: ALPK2 is on the minus strand). VCF-style: chr18-58529219-C-A. GRCh37 (hg19) VCF-style: chr18-56196451-C-A.
Other names: short protein forms K1791N.
Identifiers: ClinVar variation 1747113 (VCV001747113.2), dbSNP rs7236563, ClinGen allele CA402554299.
Genomic context (GRCh38, chr18:58,529,219, plus strand): 5'-TGCAAATTGGCAGCTTAATTTTACATTTCCAGAGTGTTCAGGGAACATCTCAGCTTGGAT[C>A]TTTTTCAGTAATACTGGAGCTAGAAACAAGATATTTGAAGGTCAGTGTAACAAAAGACTT-3'
Protein context (NP_443179.3, residues 1781-1801): REGRAPVLLK[Lys1791Asn]IQAEMFPEHS